The following is an entry in ClinVar:

ClinVar aggregate classification (germline): Uncertain significance (1 of 4 stars; one submission).

Submission:

Labcorp Genetics (formerly Invitae), Labcorp
Classification: Uncertain significance. Last evaluated: 2022-01-01. Review status: criteria provided, single submitter. Criteria: Invitae Variant Classification Sherloc (09022015). Collection method: clinical testing. Allele origin: germline.
Comment: Algorithms developed to predict the effect of missense changes on protein structure and function are either unavailable or do not agree on the potential impact of this missense change (SIFT: "Deleterious"; PolyPhen-2: "Benign"; Align-GVGD: "Class C0"). This variant has not been reported in the literature in individuals affected with NOG-related conditions. This variant is not present in population databases (gnomAD no frequency). In summary, the available evidence is currently insufficient to determine the role of this variant in disease. Therefore, it has been classified as a Variant of Uncertain Significance. This sequence change replaces isoleucine, which is neutral and non-polar, with methionine, which is neutral and non-polar, at codon 53 of the NOG protein (p.Ile53Met).

NM_005450.6(NOG):c.159C>G (p.Ile53Met)

Gene: NOG (noggin; plus strand). Cytogenetic location: 17q22.
Variant type: single nucleotide variant.
Coding change: c.159C>G on transcript NM_005450.6 (MANE Select); coding-DNA position 159, C replaced by G.
Protein change: p.Ile53Met; replaces isoleucine 53 with methionine.
Molecular consequence: missense variant.
Genome position (GRCh38, 1-based): chr17:56,594,382, C>G. VCF-style: chr17-56594382-C-G. GRCh37 (hg19) VCF-style: chr17-54671743-C-G.
Other names: short protein forms I53M.
Identifiers: ClinVar variation 1972111 (VCV001972111.5), dbSNP rs1033352311, ClinGen allele CA399964428.
Genomic context (GRCh38, chr17:56,594,382, plus strand): 5'-CCGCCCGGCACCCAGCGACAACCTGCCCCTGGTGGACCTCATCGAACACCCAGACCCTAT[C>G]TTTGACCCCAAGGAAAAGGATCTGAACGAGACGCTGCTGCGCTCGCTGCTCGGGGGCCAC-3'
Protein context (NP_005441.1, residues 43-63): LVDLIEHPDP[Ile53Met]FDPKEKDLNE